The following is an entry in ClinVar:

ClinVar aggregate classification (germline): Uncertain significance (1 of 4 stars; one submission).

Conditions:
Idiopathic Pulmonary Fibrosis. Also called: Idiopathic fibrosing alveolitis, chronic form; idiopathic fibrosing alveolitis. Identifiers: Orphanet 2032, MedGen C1800706, MeSH D054990, MONDO:0800504.
Dyskeratosis congenita, autosomal dominant 2. Identifiers: MedGen C3151443, MONDO:0013521, OMIM 613989.

Submission:

Labcorp Genetics (formerly Invitae), Labcorp
Classification: Uncertain significance for Dyskeratosis congenita, autosomal dominant 2; Idiopathic Pulmonary Fibrosis. Last evaluated: 2023-07-07. Review status: criteria provided, single submitter. Criteria: Invitae Variant Classification Sherloc (09022015). Collection method: clinical testing. Allele origin: germline.
Comment: Advanced modeling of protein sequence and biophysical properties (such as structural, functional, and spatial information, amino acid conservation, physicochemical variation, residue mobility, and thermodynamic stability) performed at Invitae indicates that this missense variant is expected to disrupt TERT protein function. In summary, the available evidence is currently insufficient to determine the role of this variant in disease. Therefore, it has been classified as a Variant of Uncertain Significance. ClinVar contains an entry for this variant (Variation ID: 1714667). This variant has not been reported in the literature in individuals affected with TERT-related conditions. This variant is not present in population databases (gnomAD no frequency). This sequence change replaces arginine, which is basic and polar, with proline, which is neutral and non-polar, at codon 132 of the TERT protein (p.Arg132Pro).

NM_198253.3(TERT):c.395G>C (p.Arg132Pro)

Gene: TERT (telomerase reverse transcriptase; minus strand). Cytogenetic location: 5p15.33.
Variant type: single nucleotide variant.
Coding change: c.395G>C on transcript NM_198253.3 (MANE Select); coding-DNA position 395, G replaced by C.
Protein change: p.Arg132Pro; replaces arginine 132 with proline.
Molecular consequence: missense variant. On other transcripts: non-coding transcript variant (2).
Genome position (GRCh38, 1-based): chr5:1,294,491, C>G on the plus strand (G>C on the coding strand, the complement: TERT is on the minus strand). VCF-style: chr5-1294491-C-G. GRCh37 (hg19) VCF-style: chr5-1294606-C-G.
Other names: c.395G>C, p.Arg132Pro (NM_001193376.3, NM_003219.1); short protein forms R132P.
Identifiers: ClinVar variation 1714667 (VCV001714667.6), dbSNP rs2126690021, ClinGen allele CA359058118.